The following is an entry in ClinVar:

ClinVar aggregate classification (germline): Uncertain significance. Review status: criteria provided, multiple submitters, no conflicts (2 of 4 stars). 3 submissions from 3 submitters: Uncertain significance (3). Last evaluated 2024-09-23.

Conditions:
Developmental and epileptic encephalopathy, 25 (DEE25). Also called: Epileptic encephalopathy, early infantile, 25; Developmental and epileptic encephalopathy 25, with amelogenesis imperfecta; Epileptic encephalopathy, early infantile, 25, with amelogenesis imperfecta. Identifiers: Orphanet 442835, MedGen C4014621, MONDO:0014392, OMIM 615905.

Allele frequency attached by ClinVar (database versions not stated): TOPMed 0.00004; ExAC 0.00006; gnomAD 0.00007 and 0.00008.

Submissions (3):

Labcorp Genetics (formerly Invitae), Labcorp
Classification: Uncertain significance for Developmental and epileptic encephalopathy, 25. Last evaluated: 2024-09-23. Review status: criteria provided, single submitter. Criteria: Invitae Variant Classification Sherloc (09022015). Collection method: clinical testing. Allele origin: germline.
Comment: This sequence change replaces glycine, which is neutral and non-polar, with arginine, which is basic and polar, at codon 288 of the SLC13A5 protein (p.Gly288Arg). This variant is present in population databases (rs761215437, gnomAD 0.05%). This variant has not been reported in the literature in individuals affected with SLC13A5-related conditions. ClinVar contains an entry for this variant (Variation ID: 651382). An algorithm developed to predict the effect of missense changes on protein structure and function outputs the following: PolyPhen-2: "Benign". The arginine amino acid residue is found in multiple mammalian species, which suggests that this missense change does not adversely affect protein function. In summary, the available evidence is currently insufficient to determine the role of this variant in disease. Therefore, it has been classified as a Variant of Uncertain Significance.

Genome-Nilou Lab
Classification: Uncertain significance for Developmental and epileptic encephalopathy, 25. Last evaluated: 2021-07-15. Review status: criteria provided, single submitter. Criteria: ACMG Guidelines, 2015. Collection method: clinical testing. Allele origin: germline. Affected: no.

GeneDx
Classification: Uncertain significance. Last evaluated: 2019-07-25. Review status: criteria provided, single submitter. Criteria: GeneDx Variant Classification Process June 2021. Collection method: clinical testing. Allele origin: germline. Affected: yes.
Comment: In silico analysis, which includes protein predictors and evolutionary conservation, supports a deleterious effect; Has not been previously published as pathogenic or benign to our knowledge

NM_177550.5(SLC13A5):c.862G>A (p.Gly288Arg)

Gene: SLC13A5 (solute carrier family 13 member 5; minus strand). Cytogenetic location: 17p13.1.
Variant type: single nucleotide variant.
Coding change: c.862G>A on transcript NM_177550.5 (MANE Select); coding-DNA position 862, G replaced by A.
Protein change: p.Gly288Arg; replaces glycine 288 with arginine.
Molecular consequence: missense variant.
Genome position (GRCh38, 1-based): chr17:6,695,919, C>T on the plus strand (G>A on the coding strand, the complement: SLC13A5 is on the minus strand). VCF-style: chr17-6695919-C-T. GRCh37 (hg19) VCF-style: chr17-6599238-C-T.
Other names: c.862G>A, p.Gly288Arg (NM_001143838.3); c.811G>A, p.Gly271Arg (NM_001284509.2); c.733G>A, p.Gly245Arg (NM_001284510.2); short protein forms G271R, G245R, G288R.
Identifiers: ClinVar variation 651382 (VCV000651382.9), dbSNP rs761215437, ClinGen allele CA8331580.